The following is an entry in ClinVar:

ClinVar aggregate classification (germline): Uncertain significance (1 of 4 stars; one submission).

Conditions:
Autosomal dominant polycystic kidney disease. Identifiers: Orphanet 730, MedGen C0085413, MONDO:0004691.

Submission:

Labcorp Genetics (formerly Invitae), Labcorp
Classification: Uncertain significance for Autosomal dominant polycystic kidney disease. Last evaluated: 2023-05-28. Review status: criteria provided, single submitter. Criteria: Invitae Variant Classification Sherloc (09022015). Collection method: clinical testing. Allele origin: germline.
Comment: In summary, the available evidence is currently insufficient to determine the role of this variant in disease. Therefore, it has been classified as a Variant of Uncertain Significance. Advanced modeling of protein sequence and biophysical properties (such as structural, functional, and spatial information, amino acid conservation, physicochemical variation, residue mobility, and thermodynamic stability) performed at Invitae indicates that this missense variant is not expected to disrupt PKD2 protein function. This variant has not been reported in the literature in individuals affected with PKD2-related conditions. This variant is not present in population databases (gnomAD no frequency). This sequence change replaces serine, which is neutral and polar, with arginine, which is basic and polar, at codon 219 of the PKD2 protein (p.Ser219Arg).

NM_000297.4(PKD2):c.655A>C (p.Ser219Arg)

Gene: PKD2 (polycystin 2, transient receptor potential cation channel; plus strand). Cytogenetic location: 4q22.1.
Variant type: single nucleotide variant.
Coding change: c.655A>C on transcript NM_000297.4 (MANE Select); coding-DNA position 655, A replaced by C.
Protein change: p.Ser219Arg; replaces serine 219 with arginine.
Molecular consequence: missense variant. On other transcripts: non-coding transcript variant (1).
Genome position (GRCh38, 1-based): chr4:88,019,517, A>C. VCF-style: chr4-88019517-A-C. GRCh37 (hg19) VCF-style: chr4-88940669-A-C.
Other names: short protein forms S219R.
Identifiers: ClinVar variation 2745107 (VCV002745107.3), dbSNP rs1422462139, ClinGen allele CA357628404.